The following is an entry in ClinVar:

NM_000204.5(CFI):c.460T>A (p.Cys154Ser)

Gene: CFI (complement factor I; minus strand). Cytogenetic location: 4q25.
Variant type: single nucleotide variant.
Coding change: c.460T>A on transcript NM_000204.5 (MANE Select); coding-DNA position 460, T replaced by A.
Protein change: p.Cys154Ser; replaces cysteine 154 with serine.
Molecular consequence: missense variant. On other transcripts: non-coding transcript variant (3), intron variant (1).
Genome position (GRCh38, 1-based): chr4:109,764,559, A>T on the plus strand (T>A on the coding strand, the complement: CFI is on the minus strand). VCF-style: chr4-109764559-A-T. GRCh37 (hg19) VCF-style: chr4-110685715-A-T.
Other names: p.Cys154Ser; c.460T>A, p.Cys154Ser (NM_001318057.2, NM_001331035.2, NM_001375278.1 and 5 more transcripts); c.-127-2867T>A (NM_001375284.1); short protein forms C154S.
Identifiers: ClinVar variation 2682868 (VCV002682868.1), dbSNP rs1727487613, ClinGen allele CA357863769.

ClinVar aggregate classification (germline): Uncertain significance (1 of 4 stars; one submission).

Allele frequency attached by ClinVar (database versions not stated): TOPMed below 0.00001.

Submission:

Mayo Clinic Laboratories, Mayo Clinic
Classification: Uncertain significance. Last evaluated: 2023-01-30. Review status: criteria provided, single submitter. Criteria: ACMG Guidelines, 2015. Collection method: clinical testing. Allele origin: germline. Observed: 1 variant allele.
Comment: PP3, PM2_supporting